The following is an entry in ClinVar:

ClinVar aggregate classification (germline): Uncertain significance (1 of 4 stars; one submission).

Submission:

Ambry Genetics
Classification: Uncertain significance. Last evaluated: 2024-10-27. Review status: criteria provided, single submitter. Criteria: Ambry Variant Classification Scheme 2023. Collection method: clinical testing. Allele origin: germline.
Comment: The p.F136L variant (also known as c.408C>A), located in coding exon 1 of the TERF2IP gene, results from a C to A substitution at nucleotide position 408. The phenylalanine at codon 136 is replaced by leucine, an amino acid with highly similar properties. This amino acid position is conserved. In addition, this alteration is predicted to be tolerated by in silico analysis. Based on the available evidence, the clinical significance of this variant remains unclear.

NM_018975.4(TERF2IP):c.408C>A (p.Phe136Leu)

Gene: TERF2IP (TERF2 interacting protein; plus strand). Cytogenetic location: 16q23.1.
Variant type: single nucleotide variant.
Coding change: c.408C>A on transcript NM_018975.4 (MANE Select); coding-DNA position 408, C replaced by A.
Protein change: p.Phe136Leu; replaces phenylalanine 136 with leucine.
Molecular consequence: missense variant. On other transcripts: non-coding transcript variant (1).
Genome position (GRCh38, 1-based): chr16:75,648,290, C>A. VCF-style: chr16-75648290-C-A. GRCh37 (hg19) VCF-style: chr16-75682188-C-A.
Other names: short protein forms F136L.
Identifiers: ClinVar variation 3455130 (VCV003455130.1).
Genomic context (GRCh38, chr16:75,648,290, plus strand): 5'-GGCCCTGGCCGAGGGCGCCGCGGAGCCGGAGCCGCAGCGGCACGCCGGGCGGATCGCCTT[C>A]ACGGATGCGGACGACGTAGCCATCCTTACCTACGTGAAGGAAAATGCCCGCTCGCCCAGC-3'
Protein context (NP_061848.2, residues 126-146): EPQRHAGRIA[Phe136Leu]TDADDVAILT